The following is an entry in ClinVar:

NM_007294.4(BRCA1):c.-20+5T>C

Genes: BRCA1 (BRCA1 DNA repair associated; minus strand), LOC111589215 (BRCA1 promoter region; plus strand). Cytogenetic location: 17q21.31.
Variant type: single nucleotide variant.
Coding change: c.-20+5T>C on transcript NM_007294.4 (MANE Select); 5 bases into the intron after 20 bases upstream of the start codon, T replaced by C.
Molecular consequence: intron variant. On other transcripts: non-coding transcript variant (1).
Genome position (GRCh38, 1-based): chr17:43,125,266, A>G on the plus strand (T>C on the coding strand, the complement: BRCA1 is on the minus strand). VCF-style: chr17-43125266-A-G. GRCh37 (hg19) VCF-style: chr17-41277283-A-G.
Other names: c.-107+11T>C (NM_007297.4); c.-20+11T>C (NM_007299.4); c.-20+5T>C (NM_007300.4).
Identifiers: ClinVar variation 392782 (VCV000392782.11), dbSNP rs1057524628, ClinGen allele CA16607682.

ClinVar aggregate classification (germline): Likely benign. Review status: criteria provided, multiple submitters, no conflicts (2 of 4 stars). 3 submissions from 3 submitters: Likely benign (3). Last evaluated 2024-10-05.

Conditions:
Breast-ovarian cancer, familial, susceptibility to, 1 (BROVCA1). Also called: BRCA1 Hereditary Breast and Ovarian Cancer; OVARIAN CANCER, SUSCEPTIBILITY TO. Identifiers: Orphanet 145, MedGen C2676676, MONDO:0011450, OMIM 604370. Disease mechanism: loss of function.
Hereditary breast ovarian cancer syndrome. Also called: Hereditary breast and ovarian cancer syndrome; Breast and ovarian cancer; Hereditary breast and ovarian cancer syndrome (HBOC); Hereditary breast and/or ovarian cancer syndrome; BRCA1- and BRCA2-Associated Hereditary Breast and Ovarian Cancer; Hereditary breast and ovarian cancer. Identifiers: Orphanet 145, MedGen C0677776, MeSH D061325, MONDO:0003582. Disease mechanism: loss of function.

Submissions (3):

Labcorp Genetics (formerly Invitae), Labcorp
Classification: Likely benign for Hereditary breast ovarian cancer syndrome. Last evaluated: 2024-10-05. Review status: criteria provided, single submitter. Criteria: Invitae Variant Classification Sherloc (09022015). Collection method: clinical testing. Allele origin: germline.

Mendelics
Classification: Likely benign for Breast-ovarian cancer, familial, susceptibility to, 1. Last evaluated: 2019-05-28. Review status: criteria provided, single submitter. Criteria: Mendelics Assertion Criteria 2017. Collection method: clinical testing. Allele origin: unknown.

GeneDx
Classification: Likely benign. Last evaluated: 2017-01-09. Review status: criteria provided, single submitter. Criteria: GeneDx Variant Classification (06012015). Collection method: clinical testing. Allele origin: germline. Affected: yes.
Comment: This variant is considered likely benign or benign based on one or more of the following criteria: it is a conservative change, it occurs at a poorly conserved position in the protein, it is predicted to be benign by multiple in silico algorithms, and/or has population frequency not consistent with disease.